The following is an entry in ClinVar:

NM_001114632.2(JMJD7):c.153G>A (p.Pro51=)

Genes: JMJD7 (jumonji domain containing 7; plus strand), JMJD7-PLA2G4B (JMJD7-PLA2G4B readthrough; plus strand). Cytogenetic location: 15q15.1.
Variant type: single nucleotide variant.
Coding change: c.153G>A on transcript NM_001114632.2 (MANE Select); coding-DNA position 153, G replaced by A.
Protein change: p.Pro51=; no amino-acid change (proline 51 retained).
Molecular consequence: synonymous variant.
Genome position (GRCh38, 1-based): chr15:41,834,828, G>A. VCF-style: chr15-41834828-G-A. GRCh37 (hg19) VCF-style: chr15-42127026-G-A.
Other names: c.153G>A, p.Pro51= (NM_001198588.2, NM_005090.4).
Identifiers: ClinVar variation 3034479 (VCV003034479.2), dbSNP rs145789404, ClinGen allele CA7498955.
Genomic context (GRCh38, chr15:41,834,828, plus strand): 5'-CCTGGACAAACCCCCAACTCCGCTCCACTTCTACCGGGACTGGGTCTGCCCCAACAGGCC[G>A]TGCATTATCCGCAACGCTCTGCAGCACTGGCCGGCCCTCCAGAAGTGGTCCCTCCCCTAT-3'
Protein context (NP_001108104.1, residues 41-61): FYRDWVCPNR[Pro51=]CIIRNALQHW

ClinVar aggregate classification (germline): Benign (0 of 4 stars; one submission).

Conditions:
JMJD7-related disorder. Also called: JMJD7-related condition.

Allele frequency attached by ClinVar (database versions not stated): gnomAD exomes 0.00038; ExAC 0.00113; 1000 Genomes Project 0.00280; 1000 Genomes Project 30x 0.00281; gnomAD 0.00384; ESP Exome Variant Server 0.00408; TOPMed 0.00411.

Submission:

PreventionGenetics, part of Exact Sciences
Classification: Benign for JMJD7-related condition. Last evaluated: 2019-06-11. Review status: no assertion criteria provided. Collection method: clinical testing. Allele origin: germline.
Comment: This variant is classified as benign based on ACMG/AMP sequence variant interpretation guidelines (Richards et al. 2015 PMID: 25741868, with internal and published modifications).